The following is an entry in ClinVar:

ClinVar aggregate classification (germline): Conflicting classifications of pathogenicity. Review status: criteria provided, conflicting classifications (1 of 4 stars). 2 submissions from 2 submitters: Uncertain significance (1); Likely benign (1). Last evaluated 2025-01-31.

Conditions:
Inborn genetic diseases. Identifiers: MedGen C0950123, MeSH D030342.
Acute myeloid leukemia (AML). Also called: Acute myeloid leukemia, adult; AML adult; Acute non-lymphocytic leukemia; Acute granulocytic leukemia; Leukemia, acute myelogenous, somatic; Leukemia, acute myeloid, somatic. Identifiers: Orphanet 519, MedGen C0023467, MeSH D015470, MONDO:0018874, OMIM 601626, HP:0004808. Disease mechanism: Constitutively activated FLT3.

Allele frequency attached by ClinVar (database versions not stated): gnomAD exomes 0.00001.
gnomAD v4.1: 4 of 1,493,828 alleles (0.00027%); highest among the groups gnomAD compares: Non-Finnish European, 0.00036%; no homozygotes.

Submissions (2):

Ambry Genetics
Classification: Likely benign for Inborn genetic diseases. Last evaluated: 2025-01-31. Review status: criteria provided, single submitter. Criteria: Ambry Variant Classification Scheme 2023. Collection method: clinical testing. Allele origin: germline.

Labcorp Genetics (formerly Invitae), Labcorp
Classification: Uncertain significance for Acute myeloid leukemia. Last evaluated: 2022-08-28. Review status: criteria provided, single submitter. Criteria: Invitae Variant Classification Sherloc (09022015). Collection method: clinical testing. Allele origin: germline.
Comment: ClinVar contains an entry for this variant (Variation ID: 947322). This variant has not been reported in the literature in individuals affected with CEBPA-related conditions. The frequency data for this variant in the population databases is considered unreliable, as metrics indicate poor data quality at this position in the gnomAD database. This sequence change replaces aspartic acid, which is acidic and polar, with glutamic acid, which is acidic and polar, at codon 75 of the CEBPA protein (p.Asp75Glu). Algorithms developed to predict the effect of missense changes on protein structure and function are either unavailable or do not agree on the potential impact of this missense change (SIFT: "Tolerated"; PolyPhen-2: "Probably Damaging"; Align-GVGD: "Class C0"). In summary, the available evidence is currently insufficient to determine the role of this variant in disease. Therefore, it has been classified as a Variant of Uncertain Significance.

NM_004364.5(CEBPA):c.225C>G (p.Asp75Glu)

Gene: CEBPA (CCAAT enhancer binding protein alpha; minus strand). Cytogenetic location: 19q13.11.
Variant type: single nucleotide variant.
Coding change: c.225C>G on transcript NM_004364.5 (MANE Select); coding-DNA position 225, C replaced by G.
Protein change: p.Asp75Glu; replaces aspartic acid 75 with glutamic acid.
Molecular consequence: missense variant. On other transcripts: 5 prime UTR variant (1).
Genome position (GRCh38, 1-based): chr19:33,302,190, G>C on the plus strand (C>G on the coding strand, the complement: CEBPA is on the minus strand). VCF-style: chr19-33302190-G-C. GRCh37 (hg19) VCF-style: chr19-33793096-G-C.
Other names: c.-133C>G (NM_001285829.2); c.330C>G, p.Asp110Glu (NM_001287424.2); c.183C>G, p.Asp61Glu (NM_001287435.2); c.225C>G (NM_004364.3); short protein forms D61E, D110E, D75E.
Identifiers: ClinVar variation 947322 (VCV000947322.11), dbSNP rs949548349, ClinGen allele CA405275406.
Genomic context (GRCh38, chr19:33,302,190, plus strand): 5'-CACGGCCGCCTTGGCCTTCTCCTGCTGCCGGCTGTGCTGGAACAGGTCGGCCAGGAACTC[G>C]TCGTTGAAGGCGGCCGGGTCGATGTAGGCGCTGATGTCGATGGACGTCTCGTGCTCGCAG-3'
Protein context (NP_004355.2, residues 65-85): SAYIDPAAFN[Asp75Glu]EFLADLFQHS